The following is an entry in ClinVar:

NM_182978.4(GNAL):c.504+1G>T

Gene: GNAL (G protein subunit alpha L; plus strand). Cytogenetic location: 18p11.21.
Variant type: single nucleotide variant.
Coding change: c.504+1G>T on transcript NM_182978.4 (MANE Select); the canonical splice donor site of the intron after coding-DNA position 504, G replaced by T.
Molecular consequence: splice donor variant.
Genome position (GRCh38, 1-based): chr18:11,753,683, G>T. VCF-style: chr18-11753683-G-T. GRCh37 (hg19) VCF-style: chr18-11753682-G-T.
Other names: c.273+1G>T (NM_001261443.2, NM_001142339.3, NM_001369387.1).
Identifiers: ClinVar variation 546813 (VCV000546813.43), dbSNP rs1555646537, ClinGen allele CA401926428.

ClinVar aggregate classification (germline): Likely pathogenic (1 of 4 stars; one submission).

Submission:

CeGaT Center for Human Genetics Tuebingen
Classification: Likely pathogenic. Last evaluated: 2025-07-01. Review status: criteria provided, single submitter. Criteria: CeGaT Center For Human Genetics Tuebingen Variant Classification Criteria Version 2. Collection method: clinical testing. Allele origin: germline. Affected: yes. Observed: 1 variant allele.
Comment: GNAL: PVS1:Strong, PM2